The following is an entry in ClinVar:

NM_018122.5(DARS2):c.1157C>T (p.Ser386Phe)

Gene: DARS2 (aspartyl-tRNA synthetase 2, mitochondrial; plus strand). Cytogenetic location: 1q25.1.
Variant type: single nucleotide variant.
Coding change: c.1157C>T on transcript NM_018122.5 (MANE Select); coding-DNA position 1157, C replaced by T.
Protein change: p.Ser386Phe; replaces serine 386 with phenylalanine.
Molecular consequence: missense variant.
Genome position (GRCh38, 1-based): chr1:173,845,257, C>T. VCF-style: chr1-173845257-C-T. GRCh37 (hg19) VCF-style: chr1-173814395-C-T.
Other names: c.1157C>T, p.Ser386Phe (NM_001365212.1, NM_001365213.2); short protein forms S386F.
Identifiers: ClinVar variation 1488984 (VCV001488984.6), dbSNP rs2102653927, ClinGen allele CA343765010.
Genomic context (GRCh38, chr1:173,845,257, plus strand): 5'-TGACAAGTTTACTTTGATTTTTCTTTCATCAGAAATACTTAAAAAGGAAAGACATTGAAT[C>T]CATTAGAAACTTTGCAGCTGACCATTTTAATCAGGTAAGGAGTTAATTAGAGCAGTTTTT-3'
Protein context (NP_060592.2, residues 376-396): AKYLKRKDIE[Ser386Phe]IRNFAADHFN

ClinVar aggregate classification (germline): Uncertain significance (1 of 4 stars; one submission).

Submission:

Labcorp Genetics (formerly Invitae), Labcorp
Classification: Uncertain significance. Last evaluated: 2021-12-02. Review status: criteria provided, single submitter. Criteria: Invitae Variant Classification Sherloc (09022015). Collection method: clinical testing. Allele origin: germline.
Comment: In summary, the available evidence is currently insufficient to determine the role of this variant in disease. Therefore, it has been classified as a Variant of Uncertain Significance. Advanced modeling of protein sequence and biophysical properties (such as structural, functional, and spatial information, amino acid conservation, physicochemical variation, residue mobility, and thermodynamic stability) performed at Invitae indicates that this missense variant is not expected to disrupt DARS2 protein function. This variant has not been reported in the literature in individuals affected with DARS2-related conditions. This variant is not present in population databases (gnomAD no frequency). This sequence change replaces serine, which is neutral and polar, with phenylalanine, which is neutral and non-polar, at codon 386 of the DARS2 protein (p.Ser386Phe).